The following is an entry in ClinVar:

ClinVar aggregate classification (germline): Uncertain significance. Review status: criteria provided, multiple submitters, no conflicts (2 of 4 stars). 2 submissions from 2 submitters: Uncertain significance (2). Last evaluated 2024-06-24.

Conditions:
Inborn genetic diseases. Identifiers: MedGen C0950123, MeSH D030342.

gnomAD v4.1: 2 of 1,611,172 alleles (0.00012%); highest among the groups gnomAD compares: Admixed American, 0.0017%; no homozygotes.

Submissions (2):

Labcorp Genetics (formerly Invitae), Labcorp
Classification: Uncertain significance. Last evaluated: 2024-06-24. Review status: criteria provided, single submitter. Criteria: Invitae Variant Classification Sherloc (09022015). Collection method: clinical testing. Allele origin: germline.
Comment: This sequence change replaces histidine, which is basic and polar, with arginine, which is basic and polar, at codon 1054 of the ALPK1 protein (p.His1054Arg). This variant is present in population databases (no rsID available, gnomAD 0.003%). This variant has not been reported in the literature in individuals affected with ALPK1-related conditions. ClinVar contains an entry for this variant (Variation ID: 2356787). Advanced modeling of protein sequence and biophysical properties (such as structural, functional, and spatial information, amino acid conservation, physicochemical variation, residue mobility, and thermodynamic stability) performed at Invitae indicates that this missense variant is not expected to disrupt ALPK1 protein function with a negative predictive value of 80%. In summary, the available evidence is currently insufficient to determine the role of this variant in disease. Therefore, it has been classified as a Variant of Uncertain Significance.

Ambry Genetics
Classification: Uncertain significance for Inborn genetic diseases. Last evaluated: 2022-09-28. Review status: criteria provided, single submitter. Criteria: Ambry Variant Classification Scheme 2023. Collection method: clinical testing. Allele origin: germline.

NM_025144.4(ALPK1):c.3161A>G (p.His1054Arg)

Gene: ALPK1 (alpha kinase 1; plus strand). Cytogenetic location: 4q25.
Variant type: single nucleotide variant.
Coding change: c.3161A>G on transcript NM_025144.4 (MANE Select); coding-DNA position 3161, A replaced by G.
Protein change: p.His1054Arg; replaces histidine 1054 with arginine.
Molecular consequence: missense variant.
Genome position (GRCh38, 1-based): chr4:112,435,274, A>G. VCF-style: chr4-112435274-A-G. GRCh37 (hg19) VCF-style: chr4-113356430-A-G.
Other names: c.3161A>G, p.His1054Arg (NM_001102406.2); c.2927A>G, p.His976Arg (NM_001253884.2); short protein forms H1054R, H976R.
Identifiers: ClinVar variation 2356787 (VCV002356787.3), dbSNP rs1309155873, ClinGen allele CA357904640.